The following is an entry in ClinVar:

NM_001114753.3(ENG):c.1095C>A (p.Asp365Glu)

Gene: ENG (endoglin; minus strand). Cytogenetic location: 9q34.11.
Variant type: single nucleotide variant.
Coding change: c.1095C>A on transcript NM_001114753.3 (MANE Select); coding-DNA position 1095, C replaced by A.
Protein change: p.Asp365Glu; replaces aspartic acid 365 with glutamic acid.
Molecular consequence: missense variant.
Genome position (GRCh38, 1-based): chr9:127,824,343, G>T on the plus strand (C>A on the coding strand, the complement: ENG is on the minus strand). VCF-style: chr9-127824343-G-T. GRCh37 (hg19) VCF-style: chr9-130586622-G-T.
Other names: c.1095C>A, p.Asp365Glu (NM_000118.4, NM_001406715.1); c.549C>A, p.Asp183Glu (NM_001278138.2); short protein forms D365E, D183E.
Identifiers: ClinVar variation 5035938 (VCV005035938.1).

ClinVar aggregate classification (germline): Uncertain significance (1 of 4 stars; one submission).

Conditions:
Cardiovascular phenotype. Identifiers: MedGen CN230736.

gnomAD v4.1: 3 of 1,613,862 alleles (0.00019%); highest among the groups gnomAD compares: African/African-American, 0.004%; no homozygotes.

Submission:

Ambry Genetics
Classification: Uncertain significance for Cardiovascular phenotype. Last evaluated: 2026-06-22. Review status: criteria provided, single submitter. Criteria: Ambry Variant Classification Scheme 2023. Collection method: clinical testing. Allele origin: germline.
Comment: The p.D365E variant (also known as c.1095C>A), located in coding exon 8 of the ENG gene, results from a C to A substitution at nucleotide position 1095. The aspartic acid at codon 365 is replaced by glutamic acid, an amino acid with highly similar properties. This amino acid position is conserved. In addition, this alteration is predicted to be tolerated by in silico analysis. Based on the available evidence, the clinical significance of this variant remains unclear.